The following is an entry in ClinVar:

ClinVar aggregate classification (germline): Uncertain significance (1 of 4 stars; one submission).

Allele frequency attached by ClinVar (database versions not stated): TOPMed 0.00001.
gnomAD v4.1: 2 of 1,609,296 alleles (0.00012%); highest among the groups gnomAD compares: East Asian, 0.0022%; no homozygotes.

Submission:

Labcorp Genetics (formerly Invitae), Labcorp
Classification: Uncertain significance. Last evaluated: 2024-06-19. Review status: criteria provided, single submitter. Criteria: Invitae Variant Classification Sherloc (09022015). Collection method: clinical testing. Allele origin: germline.
Comment: This sequence change replaces valine, which is neutral and non-polar, with alanine, which is neutral and non-polar, at codon 339 of the KANK2 protein (p.Val339Ala). This variant is present in population databases (no rsID available, gnomAD 0.006%). This variant has not been reported in the literature in individuals affected with KANK2-related conditions. ClinVar contains an entry for this variant (Variation ID: 2413384). An algorithm developed to predict the effect of missense changes on protein structure and function (PolyPhen-2) suggests that this variant is likely to be tolerated. In summary, the available evidence is currently insufficient to determine the role of this variant in disease. Therefore, it has been classified as a Variant of Uncertain Significance.

NM_001136191.3(KANK2):c.1016T>C (p.Val339Ala)

Gene: KANK2 (KN motif and ankyrin repeat domains 2; minus strand). Cytogenetic location: 19p13.2.
Variant type: single nucleotide variant.
Coding change: c.1016T>C on transcript NM_001136191.3 (MANE Select); coding-DNA position 1016, T replaced by C.
Protein change: p.Val339Ala; replaces valine 339 with alanine.
Molecular consequence: missense variant.
Genome position (GRCh38, 1-based): chr19:11,193,064, A>G on the plus strand (T>C on the coding strand, the complement: KANK2 is on the minus strand). VCF-style: chr19-11193064-A-G. GRCh37 (hg19) VCF-style: chr19-11303740-A-G.
Other names: c.1016T>C, p.Val339Ala (NM_001329451.2, NM_001379548.1, NM_001379549.1 and 15 more transcripts); short protein forms V339A.
Identifiers: ClinVar variation 2413384 (VCV002413384.6), dbSNP rs1254517579, ClinGen allele CA404087113.
Genomic context (GRCh38, chr19:11,193,064, plus strand): 5'-GGCTCCAGGCTCTGGGCCCGCTGTGCGGGGGCGCCAGCGGCTGTGCTGGCCACCACCTCC[A>G]CCTCCCGTGGCCCTTCTACCACCCGGACTGTATCCACGCGGACCGGGCTGTCCGGCGGTG-3'
Protein context (NP_001129663.1, residues 329-349): TVRVVEGPRE[Val339Ala]EVVASTAAGA